The following is an entry in ClinVar:

NM_001365999.1(SZT2):c.5191C>T (p.Pro1731Ser)

Gene: SZT2 (SZT2 subunit of KICSTOR complex; plus strand). Cytogenetic location: 1p34.2.
Variant type: single nucleotide variant.
Coding change: c.5191C>T on transcript NM_001365999.1 (MANE Select); coding-DNA position 5191, C replaced by T.
Protein change: p.Pro1731Ser; replaces proline 1731 with serine.
Molecular consequence: missense variant.
Genome position (GRCh38, 1-based): chr1:43,431,818, C>T. VCF-style: chr1-43431818-C-T. GRCh37 (hg19) VCF-style: chr1-43897489-C-T.
Other names: c.5020C>T, p.Pro1674Ser (NM_015284.4); short protein forms P1731S, P1674S.
Identifiers: ClinVar variation 2104587 (VCV002104587.4), dbSNP rs1017964453, ClinGen allele CA21638075.

ClinVar aggregate classification (germline): Uncertain significance (1 of 4 stars; one submission).

Allele frequency attached by ClinVar (database versions not stated): gnomAD exomes below 0.00001; gnomAD 0.00001; TOPMed 0.00001.
gnomAD v4.1: 2 of 1,614,068 alleles (0.00012%); highest among the groups gnomAD compares: African/African-American, 0.0013%; no homozygotes.

Submission:

Labcorp Genetics (formerly Invitae), Labcorp
Classification: Uncertain significance. Last evaluated: 2022-02-28. Review status: criteria provided, single submitter. Criteria: Invitae Variant Classification Sherloc (09022015). Collection method: clinical testing. Allele origin: germline.
Comment: This sequence change replaces proline, which is neutral and non-polar, with serine, which is neutral and polar, at codon 1674 of the SZT2 protein (p.Pro1674Ser). This variant is not present in population databases (gnomAD no frequency). In summary, the available evidence is currently insufficient to determine the role of this variant in disease. Therefore, it has been classified as a Variant of Uncertain Significance. Algorithms developed to predict the effect of missense changes on protein structure and function output the following: SIFT: "Tolerated"; PolyPhen-2: "Benign"; Align-GVGD: "Class C0". The serine amino acid residue is found in multiple mammalian species, which suggests that this missense change does not adversely affect protein function. This variant has not been reported in the literature in individuals affected with SZT2-related conditions.